The following is an entry in ClinVar:

ClinVar aggregate classification (germline): Uncertain significance. Review status: criteria provided, multiple submitters, no conflicts (2 of 4 stars). 2 submissions from 2 submitters: Uncertain significance (2). Last evaluated 2025-08-04.

Conditions:
Fucosidosis. Also called: ALPHA-L-FUCOSIDASE DEFICIENCY. Identifiers: Orphanet 349, MedGen C0016788, MONDO:0009254, OMIM 230000.

Allele frequency attached by ClinVar (database versions not stated): gnomAD exomes below 0.00001; gnomAD 0.00001; TOPMed 0.00002.
gnomAD v4.1: 8 of 1,614,124 alleles (0.0005%); highest among the groups gnomAD compares: Non-Finnish European, 0.00068%; no homozygotes.

Submissions (2):

Labcorp Genetics (formerly Invitae), Labcorp
Classification: Uncertain significance for Fucosidosis. Last evaluated: 2025-08-04. Review status: criteria provided, single submitter. Criteria: Invitae Variant Classification Sherloc (09022015). Collection method: clinical testing. Allele origin: germline.
Comment: This sequence change replaces lysine, which is basic and polar, with asparagine, which is neutral and polar, at codon 174 of the FUCA1 protein (p.Lys174Asn). This variant is not present in population databases (gnomAD no frequency). This variant has not been reported in the literature in individuals affected with FUCA1-related conditions. ClinVar contains an entry for this variant (Variation ID: 806089). Invitae Evidence Modeling of protein sequence and biophysical properties (such as structural, functional, and spatial information, amino acid conservation, physicochemical variation, residue mobility, and thermodynamic stability) indicates that this missense variant is not expected to disrupt FUCA1 protein function with a negative predictive value of 95%. In summary, the available evidence is currently insufficient to determine the role of this variant in disease. Therefore, it has been classified as a Variant of Uncertain Significance.

CeGaT Center for Human Genetics Tuebingen
Classification: Uncertain significance. Last evaluated: 2019-05-01. Review status: criteria provided, single submitter. Criteria: CeGaT Center For Human Genetics Tuebingen Variant Classification Criteria Version 2. Collection method: clinical testing. Allele origin: germline. Affected: yes. Observed: 1 variant allele.

NM_000147.5(FUCA1):c.522G>T (p.Lys174Asn)

Genes: FUCA1 (alpha-L-fucosidase 1; minus strand), LOC126805661 (BRD4-independent group 4 enhancer GRCh37_chr1:24191742-24192941; plus strand). Cytogenetic location: 1p36.11.
Variant type: single nucleotide variant.
Coding change: c.522G>T on transcript NM_000147.5 (MANE Select); coding-DNA position 522, G replaced by T.
Protein change: p.Lys174Asn; replaces lysine 174 with asparagine.
Molecular consequence: missense variant.
Genome position (GRCh38, 1-based): chr1:23,865,493, C>A on the plus strand (G>T on the coding strand, the complement: FUCA1 is on the minus strand). VCF-style: chr1-23865493-C-A. GRCh37 (hg19) VCF-style: chr1-24191983-C-A.
Other names: short protein forms K174N.
Identifiers: ClinVar variation 806089 (VCV000806089.46), dbSNP rs1352828947, ClinGen allele CA339007281.